The following is an entry in ClinVar:

NM_014049.5(ACAD9):c.1017_1026del (p.Gly340fs)

Gene: ACAD9 (acyl-CoA dehydrogenase family member 9; plus strand). Cytogenetic location: 3q21.3.
Variant type: Deletion.
Coding change: c.1017_1026del on transcript NM_014049.5 (MANE Select); coding-DNA positions 1017 to 1026, 10 bases deleted (TGGATTGATT; older notation c.1017_1026delTGGATTGATT).
Protein change: p.Gly340fs; shifts the reading frame from glycine 340.
Molecular consequence: frameshift variant. On other transcripts: non-coding transcript variant (1).
Genome position (GRCh38, 1-based): chr3:128,904,120-128,904,129, TGGATTGATT deleted; deleting any 10 consecutive bases within chr3:128,904,117-128,904,129 gives the same sequence; the c. name uses the placement nearest the transcript's 3' end. VCF-style (leftmost placement, unchanged base first): chr3-128904116-AATTTGGATTG-A. GRCh37 (hg19) VCF-style: chr3-128622959-AATTTGGATTG-A.
Other names: short protein forms G340fs.
Identifiers: ClinVar variation 1387438 (VCV001387438.6), dbSNP rs1559828042, ClinGen allele CA546416718.
Genomic context (GRCh38, chr3:128,904,116, plus strand): 5'-CCTCAGAAATGACTGCTGAGTACGCCTGCACAAGGAAACAGTTTAACAAGAGGCTCAGTG[AATTTGGATTG>A]ATTCAGGTACCAATGGTTGAGTACTGTATTTGTGCATTTCACTGTGTGACATGAACGGTG-3'

ClinVar aggregate classification (germline): Pathogenic (1 of 4 stars; one submission).

Submission:

Labcorp Genetics (formerly Invitae), Labcorp
Classification: Pathogenic. Last evaluated: 2023-02-25. Review status: criteria provided, single submitter. Criteria: Invitae Variant Classification Sherloc (09022015). Collection method: clinical testing. Allele origin: germline.
Comment: This sequence change creates a premature translational stop signal (p.Gly340Argfs*6) in the ACAD9 gene. It is expected to result in an absent or disrupted protein product. Loss-of-function variants in ACAD9 are known to be pathogenic (PMID: 25721401). This variant is present in population databases (no rsID available, gnomAD 0.0009%). This variant has not been reported in the literature in individuals affected with ACAD9-related conditions. ClinVar contains an entry for this variant (Variation ID: 1387438). For these reasons, this variant has been classified as Pathogenic.

Literature cited by the submitters: PubMed 25721401.